The following is an entry in ClinVar:

ClinVar aggregate classification (germline): Uncertain significance (1 of 4 stars; one submission).

Conditions:
Isolated microphthalmia 4. Identifiers: Orphanet 2542, MedGen C2751307, MONDO:0013130, OMIM 613094.
Klippel-Feil syndrome 1, autosomal dominant (KFS1). Also called: CERVICAL VERTEBRAL FUSION, AUTOSOMAL DOMINANT. Identifiers: Orphanet 2345, MedGen C1861689, MONDO:0007306, OMIM 118100.
Microphthalmia, isolated, with coloboma 6 (MCOPCB6). Also called: MICROPHTHALMIA/COLOBOMA 6; Microphthalmia with coloboma 6, digenic; Microphthalmia with coloboma 6. Identifiers: Orphanet 98938, MedGen C3150968, MONDO:0013376, OMIM 613703.
Leber congenital amaurosis 17 (LCA17). Identifiers: Orphanet 65, MedGen C3715164, MONDO:0014145, OMIM 615360.

Submission:

Labcorp Genetics (formerly Invitae), Labcorp
Classification: Uncertain significance for Isolated microphthalmia 4; Leber congenital amaurosis 17; Klippel-Feil syndrome 1, autosomal dominant; Microphthalmia, isolated, with coloboma 6. Last evaluated: 2023-04-26. Review status: criteria provided, single submitter. Criteria: Invitae Variant Classification Sherloc (09022015). Collection method: clinical testing. Allele origin: germline.
Comment: This sequence change replaces proline, which is neutral and non-polar, with glutamine, which is neutral and polar, at codon 305 of the GDF6 protein (p.Pro305Gln). This variant is not present in population databases (gnomAD no frequency). This variant has not been reported in the literature in individuals affected with GDF6-related conditions. An algorithm developed to predict the effect of missense changes on protein structure and function (PolyPhen-2) suggests that this variant is likely to be tolerated. In summary, the available evidence is currently insufficient to determine the role of this variant in disease. Therefore, it has been classified as a Variant of Uncertain Significance.

NM_001001557.4(GDF6):c.914C>A (p.Pro305Gln)

Gene: GDF6 (growth differentiation factor 6; minus strand). Cytogenetic location: 8q22.1.
Variant type: single nucleotide variant.
Coding change: c.914C>A on transcript NM_001001557.4 (MANE Select); coding-DNA position 914, C replaced by A.
Protein change: p.Pro305Gln; replaces proline 305 with glutamine.
Molecular consequence: missense variant.
Genome position (GRCh38, 1-based): chr8:96,145,017, G>T on the plus strand (C>A on the coding strand, the complement: GDF6 is on the minus strand). VCF-style: chr8-96145017-G-T. GRCh37 (hg19) VCF-style: chr8-97157245-G-T.
Other names: short protein forms P305Q.
Identifiers: ClinVar variation 2947167 (VCV002947167.3), dbSNP rs2487830064, ClinGen allele CA371751532.